The following is an entry in ClinVar:

ClinVar aggregate classification (germline): Uncertain significance (1 of 4 stars; one submission).

Submission:

Ambry Genetics
Classification: Uncertain significance. Last evaluated: 2023-02-04. Review status: criteria provided, single submitter. Criteria: Ambry Variant Classification Scheme 2023. Collection method: clinical testing. Allele origin: germline.
Comment: The p.F481S variant (also known as c.1442T>C), located in coding exon 13 of the RAD54L gene, results from a T to C substitution at nucleotide position 1442. The phenylalanine at codon 481 is replaced by serine, an amino acid with highly dissimilar properties. This amino acid position is conserved. In addition, this alteration is predicted to be deleterious by in silico analysis. Since supporting evidence is limited at this time, the clinical significance of this alteration remains unclear.

NM_003579.4(RAD54L):c.1442T>C (p.Phe481Ser)

Gene: RAD54L (RAD54 like; plus strand). Cytogenetic location: 1p34.1.
Variant type: single nucleotide variant.
Coding change: c.1442T>C on transcript NM_003579.4 (MANE Select); coding-DNA position 1442, T replaced by C.
Protein change: p.Phe481Ser; replaces phenylalanine 481 with serine.
Molecular consequence: missense variant.
Genome position (GRCh38, 1-based): chr1:46,273,421, T>C. VCF-style: chr1-46273421-T-C. GRCh37 (hg19) VCF-style: chr1-46739093-T-C.
Other names: c.1442T>C, p.Phe481Ser (NM_001142548.2); c.902T>C, p.Phe301Ser (NM_001370766.1); short protein forms F301S, F481S.
Identifiers: ClinVar variation 2447808 (VCV002447808.2), dbSNP rs2525711704, ClinGen allele CA340180963.